The following is an entry in ClinVar:

ClinVar aggregate classification (germline): Conflicting classifications of pathogenicity. Review status: criteria provided, conflicting classifications (1 of 4 stars). 3 submissions from 3 submitters: Uncertain significance (2); Likely benign (1). Last evaluated 2024-06-28.

Conditions:
Hereditary cancer-predisposing syndrome. Also called: Hereditary Cancer Syndrome; Hereditary neoplastic syndrome; Tumor predisposition; Neoplastic Syndromes, Hereditary. Identifiers: Orphanet 140162, MedGen C0027672, MeSH D009386, MONDO:0015356.
Hereditary breast ovarian cancer syndrome. Also called: Hereditary breast and ovarian cancer syndrome (HBOC); Hereditary breast and ovarian cancer; BRCA1- and BRCA2-Associated Hereditary Breast and Ovarian Cancer; Breast and ovarian cancer; Hereditary breast and ovarian cancer syndrome; Hereditary breast and/or ovarian cancer syndrome. Identifiers: Orphanet 145, MedGen C0677776, MeSH D061325, MONDO:0003582. Disease mechanism: loss of function.

gnomAD v4.1: 1 of 1,613,790 alleles (0.000062%); highest among the groups gnomAD compares: Non-Finnish European, 0.000085%; no homozygotes.

Submissions (3):

Ambry Genetics
Classification: Uncertain significance for Hereditary cancer-predisposing syndrome. Last evaluated: 2024-06-28. Review status: criteria provided, single submitter. Criteria: Ambry Variant Classification Scheme 2023. Collection method: clinical testing. Allele origin: germline.
Comment: The p.R841L variant (also known as c.2522G>T), located in coding exon 9 of the BRCA1 gene, results from a G to T substitution at nucleotide position 2522. The arginine at codon 841 is replaced by leucine, an amino acid with dissimilar properties. This amino acid position is poorly conserved in available vertebrate species. In addition, the in silico prediction for this alteration is inconclusive. Since supporting evidence is limited at this time, the clinical significance of this alteration remains unclear.

Labcorp Genetics (formerly Invitae), Labcorp
Classification: Uncertain significance for Hereditary breast ovarian cancer syndrome. Last evaluated: 2024-05-31. Review status: criteria provided, single submitter. Criteria: Invitae Variant Classification Sherloc (09022015). Collection method: clinical testing. Allele origin: germline.
Comment: This sequence change replaces arginine, which is basic and polar, with leucine, which is neutral and non-polar, at codon 841 of the BRCA1 protein (p.Arg841Leu). This variant is not present in population databases (gnomAD no frequency). This variant has not been reported in the literature in individuals affected with BRCA1-related conditions. ClinVar contains an entry for this variant (Variation ID: 1792565). Advanced modeling of protein sequence and biophysical properties (such as structural, functional, and spatial information, amino acid conservation, physicochemical variation, residue mobility, and thermodynamic stability) performed at Invitae indicates that this missense variant is not expected to disrupt BRCA1 protein function with a negative predictive value of 95%. In summary, the available evidence is currently insufficient to determine the role of this variant in disease. Therefore, it has been classified as a Variant of Uncertain Significance.

University of Washington Department of Laboratory Medicine, University of Washington
Classification: Likely benign for Hereditary cancer-predisposing syndrome. Last evaluated: 2023-03-23. Review status: criteria provided, single submitter. Criteria: Dines et al. (Genet Med. 2020). Collection method: curation. Allele origin: germline.
Comment: Missense variant in a coldspot region where missense variants are very unlikely to be pathogenic (PMID:31911673).

BRCA1 coldspot (exon 11 using historical exon numbering). Reclassification based on statistical prior probability

NM_007294.4(BRCA1):c.2522G>T (p.Arg841Leu)

Gene: BRCA1 (BRCA1 DNA repair associated; minus strand). Cytogenetic location: 17q21.31.
Variant type: single nucleotide variant.
Coding change: c.2522G>T on transcript NM_007294.4 (MANE Select); coding-DNA position 2522, G replaced by T.
Protein change: p.Arg841Leu; replaces arginine 841 with leucine.
Molecular consequence: missense variant. On other transcripts: intron variant (137).
Genome position (GRCh38, 1-based): chr17:43,093,009, C>A on the plus strand (G>T on the coding strand, the complement: BRCA1 is on the minus strand). VCF-style: chr17-43093009-C-A. GRCh37 (hg19) VCF-style: chr17-41245026-C-A.
Other names: c.2309G>T, p.Arg770Leu (NM_001407571.1, NM_001407853.1, NM_001407894.1 and 9 more transcripts); c.2522G>T, p.Arg841Leu (NM_001407581.1, NM_001407582.1, NM_001407583.1 and 30 more transcripts); c.2519G>T, p.Arg840Leu (NM_001407587.1, NM_001407590.1, NM_001407591.1 and 22 more transcripts); c.2513G>T, p.Arg838Leu (NM_001407646.1, NM_001407647.1); c.2399G>T, p.Arg800Leu (NM_001407648.1, NM_001407664.1, NM_001407665.1 and 19 more transcripts); c.2396G>T, p.Arg799Leu (NM_001407649.1, NM_001407670.1, NM_001407671.1 and 11 more transcripts); c.2444G>T, p.Arg815Leu (NM_001407653.1, NM_001407654.1, NM_001407655.1 and 4 more transcripts); c.2441G>T, p.Arg814Leu (NM_001407659.1, NM_001407660.1, NM_001407661.1 and 1 more transcripts); and 41 more; short protein forms R673L, R713L, R714L, R771L, R774L, R838L, R840L, R545L.
Identifiers: ClinVar variation 1792565 (VCV001792565.7), dbSNP rs80357337, ClinGen allele CA10596951.
Genomic context (GRCh38, chr17:43,093,009, plus strand): 5'-AATGTATTCTGCAAATACTGAGCATCAAGTTCACTTTCTTCCATTTCTATGCTTGTTTCC[C>A]GACTGTGGTTAACTTCATGTCCCAATGGATACTTAAAGCCTTCTGTGTCATTTCTATTAT-3'
Protein context (NP_009225.1, residues 831-851): YPLGHEVNHS[Arg841Leu]ETSIEMEESE